The following is an entry in ClinVar:

ClinVar aggregate classification (germline): Likely benign (0 of 4 stars; one submission).

Conditions:
PHIP-related disorder. Also called: PHIP-related condition; PHIP-related disorders.

Submission:

PreventionGenetics, part of Exact Sciences
Classification: Likely benign for PHIP-related condition. Last evaluated: 2022-03-14. Review status: no assertion criteria provided. Collection method: clinical testing. Allele origin: germline.
Comment: This variant is classified as likely benign based on ACMG/AMP sequence variant interpretation guidelines (Richards et al. 2015 PMID: 25741868, with internal and published modifications).

NM_017934.7(PHIP):c.3000A>G (p.Glu1000=)

Genes: IRAK1BP1 (interleukin 1 receptor associated kinase 1 binding protein 1; plus strand), PHIP (PHIP subunit of CUL4-Ring ligase complex; minus strand). Cytogenetic location: 6q14.1.
Variant type: single nucleotide variant.
Coding change: c.3000A>G on transcript NM_017934.7 (MANE Select); coding-DNA position 3000, A replaced by G.
Protein change: p.Glu1000=; no amino-acid change (glutamic acid 1000 retained).
Molecular consequence: synonymous variant.
Genome position (GRCh38, 1-based): chr6:78,970,171, T>C on the plus strand (A>G on the coding strand, the complement: PHIP is on the minus strand). VCF-style: chr6-78970171-T-C. GRCh37 (hg19) VCF-style: chr6-79679888-T-C.
Identifiers: ClinVar variation 3354632 (VCV003354632.1).